The following is an entry in ClinVar:

NM_032776.3(JMJD1C):c.2744A>T (p.Asp915Val)

Gene: JMJD1C (jumonji domain containing 1C; minus strand). Cytogenetic location: 10q21.3.
Variant type: single nucleotide variant.
Coding change: c.2744A>T on transcript NM_032776.3 (MANE Select); coding-DNA position 2744, A replaced by T.
Protein change: p.Asp915Val; replaces aspartic acid 915 with valine.
Molecular consequence: missense variant. On other transcripts: non-coding transcript variant (1).
Genome position (GRCh38, 1-based): chr10:63,209,186, T>A on the plus strand (A>T on the coding strand, the complement: JMJD1C is on the minus strand). VCF-style: chr10-63209186-T-A. GRCh37 (hg19) VCF-style: chr10-64968946-T-A.
Other names: c.2198A>T, p.Asp733Val (NM_001282948.2, NM_001318154.2); c.1880A>T, p.Asp627Val (NM_001318153.2); c.2744A>T (NM_032776.1); c.2630A>T, p.Asp877Val (NM_001322252.2); c.2087A>T, p.Asp696Val (NM_001322254.2, NM_001322258.2); short protein forms D627V, D696V, D733V, D877V, D915V.
Identifiers: ClinVar variation 2202703 (VCV002202703.5), dbSNP rs770302374, ClinGen allele CA5518566.

ClinVar aggregate classification (germline): Uncertain significance. Review status: criteria provided, multiple submitters, no conflicts (2 of 4 stars). 2 submissions from 2 submitters: Uncertain significance (2). Last evaluated 2025-10-03.

Conditions:
Early Myoclonic Encephalopathy. Identifiers: MedGen C0270855.

Allele frequency attached by ClinVar (database versions not stated): gnomAD 0.00005; ExAC 0.00001.
gnomAD v4.1: 14 of 1,613,672 alleles (0.00087%); highest among the groups gnomAD compares: African/African-American, 0.017%; no homozygotes.

Submissions (2):

Labcorp Genetics (formerly Invitae), Labcorp
Classification: Uncertain significance for Early Myoclonic Encephalopathy. Last evaluated: 2025-10-03. Review status: criteria provided, single submitter. Criteria: Invitae Variant Classification Sherloc (09022015). Collection method: clinical testing. Allele origin: germline.
Comment: This sequence change replaces aspartic acid, which is acidic and polar, with valine, which is neutral and non-polar, at codon 915 of the JMJD1C protein (p.Asp915Val). This variant is present in population databases (rs770302374, gnomAD 0.01%). This variant has not been reported in the literature in individuals affected with JMJD1C-related conditions. ClinVar contains an entry for this variant (Variation ID: 2202703). Invitae Evidence Modeling of protein sequence and biophysical properties (such as structural, functional, and spatial information, amino acid conservation, physicochemical variation, residue mobility, and thermodynamic stability) indicates that this missense variant is expected to disrupt JMJD1C protein function with a positive predictive value of 80%. In summary, the available evidence is currently insufficient to determine the role of this variant in disease. Therefore, it has been classified as a Variant of Uncertain Significance.

Ambry Genetics
Classification: Uncertain significance. Last evaluated: 2023-10-28. Review status: criteria provided, single submitter. Criteria: Ambry Variant Classification Scheme 2023. Collection method: clinical testing. Allele origin: germline.